The following is an entry in ClinVar:

NM_153717.3(EVC):c.539C>A (p.Ser180Ter)

Gene: EVC (EvC ciliary complex subunit 1; plus strand). Cytogenetic location: 4p16.2.
Variant type: single nucleotide variant.
Coding change: c.539C>A on transcript NM_153717.3 (MANE Select); coding-DNA position 539, C replaced by A.
Protein change: p.Ser180Ter; replaces serine 180 with a stop codon.
Molecular consequence: nonsense.
Genome position (GRCh38, 1-based): chr4:5,731,579, C>A. VCF-style: chr4-5731579-C-A. GRCh37 (hg19) VCF-style: chr4-5733306-C-A.
Other names: c.539C>A, p.Ser180Ter (NM_001306090.2, NM_001306092.2); c.539C>A (NM_153717.2); short protein forms S180*.
Identifiers: ClinVar variation 1070697 (VCV001070697.9), dbSNP rs762136199, ClinGen allele CA356142922.

ClinVar aggregate classification (germline): Pathogenic/Likely pathogenic. Review status: criteria provided, multiple submitters, no conflicts (2 of 4 stars). 2 submissions from 2 submitters: Pathogenic (1); Likely pathogenic (1). Last evaluated 2025-01-30.

Conditions:
Curry-Hall syndrome (WAD). Also called: WEYERS ACRODENTAL DYSOSTOSIS. Identifiers: Orphanet 952, MedGen C0457013, MONDO:0008673, OMIM 193530.
Ellis-van Creveld syndrome (EVC). Also called: EVC-Related Ellis-van Creveld Syndrome; EVC2-Related Ellis-van Creveld Syndrome; MESOECTODERMAL DYSPLASIA; Chondroectodermal dysplasia. Identifiers: Orphanet 289, MedGen C0013903, MONDO:0009162, OMIM 225500.

Submissions (2):

Natera, Inc.
Classification: Likely pathogenic for Ellis-van Creveld syndrome. Last evaluated: 2025-01-30. Review status: criteria provided, single submitter. Criteria: Natera Variant Classification Schema (03/2026). Collection method: clinical testing. Allele origin: germline.
Comment: The c.539C>A variant in EVC is a nonsense variant predicted to introduce a stop codon at amino acid 180. This variant is expected to result in nonsense mediated decay, truncation, or a dysfunctional protein product. This variant is rare in the general population with a frequency below the threshold expected for the associated phenotype(s). Given the available evidence, this variant is classified as Likely Pathogenic.

Labcorp Genetics (formerly Invitae), Labcorp
Classification: Pathogenic for Curry-Hall syndrome; Ellis-van Creveld syndrome. Last evaluated: 2020-10-08. Review status: criteria provided, single submitter. Criteria: Invitae Variant Classification Sherloc (09022015). Collection method: clinical testing. Allele origin: germline.
Comment: For these reasons, this variant has been classified as Pathogenic. Loss-of-function variants in EVC are known to be pathogenic (PMID: 23220543). Algorithms developed to predict the effect of sequence changes on RNA splicing suggest that this variant may create or strengthen a splice site, but this prediction has not been confirmed by published transcriptional studies. This variant has not been reported in the literature in individuals with EVC-related conditions. This variant is not present in population databases (ExAC no frequency). This sequence change creates a premature translational stop signal (p.Ser180*) in the EVC gene. It is expected to result in an absent or disrupted protein product.

Literature cited by the submitters: PubMed 23220543 (cited by Labcorp Genetics (formerly Invitae), Labcorp).